The following is an entry in ClinVar:

ClinVar aggregate classification (germline): Uncertain significance (1 of 4 stars; one submission).

Conditions:
Hereditary cancer-predisposing syndrome. Also called: Neoplastic Syndromes, Hereditary; Tumor predisposition; Hereditary neoplastic syndrome; Hereditary Cancer Syndrome. Identifiers: Orphanet 140162, MedGen C0027672, MeSH D009386, MONDO:0015356.
Cardiovascular phenotype. Identifiers: MedGen CN230736.

Submission:

Ambry Genetics
Classification: Uncertain significance for Cardiovascular phenotype; Hereditary cancer-predisposing syndrome. Last evaluated: 2023-12-01. Review status: criteria provided, single submitter. Criteria: Ambry Variant Classification Scheme 2023. Collection method: clinical testing. Allele origin: germline.
Comment: The p.P172R variant (also known as c.515C>G), located in coding exon 6 of the LZTR1 gene, results from a C to G substitution at nucleotide position 515. The proline at codon 172 is replaced by arginine, an amino acid with dissimilar properties. This amino acid position is conserved. In addition, this alteration is predicted to be deleterious by in silico analysis. Since supporting evidence is limited at this time, the clinical significance of this alteration remains unclear.

NM_006767.4(LZTR1):c.515C>G (p.Pro172Arg)

Gene: LZTR1 (leucine zipper like post translational regulator 1; plus strand). Cytogenetic location: 22q11.21.
Variant type: single nucleotide variant.
Coding change: c.515C>G on transcript NM_006767.4 (MANE Select); coding-DNA position 515, C replaced by G.
Protein change: p.Pro172Arg; replaces proline 172 with arginine.
Molecular consequence: missense variant.
Genome position (GRCh38, 1-based): chr22:20,988,794, C>G. VCF-style: chr22-20988794-C-G. GRCh37 (hg19) VCF-style: chr22-21343083-C-G.
Other names: short protein forms P172R.
Identifiers: ClinVar variation 3238302 (VCV003238302.1), dbSNP rs1924494428.